The following is an entry in ClinVar:

NM_012123.4(MTO1):c.413T>C (p.Met138Thr)

Gene: MTO1 (mitochondrial tRNA translation optimization 1; plus strand). Cytogenetic location: 6q13.
Variant type: single nucleotide variant.
Coding change: c.413T>C on transcript NM_012123.4 (MANE Select); coding-DNA position 413, T replaced by C.
Protein change: p.Met138Thr; replaces methionine 138 with threonine.
Molecular consequence: missense variant.
Genome position (GRCh38, 1-based): chr6:73,466,404, T>C. VCF-style: chr6-73466404-T-C. GRCh37 (hg19) VCF-style: chr6-74176127-T-C.
Other names: p.Met138Thr; c.413T>C, p.Met138Thr (NM_001123226.2, NM_133645.3); short protein forms M138T.
Identifiers: ClinVar variation 2106757 (VCV002106757.4), dbSNP rs2533245707, ClinGen allele CA364712881.

ClinVar aggregate classification (germline): Uncertain significance. Review status: criteria provided, multiple submitters, no conflicts (2 of 4 stars). 2 submissions from 2 submitters: Uncertain significance (2). Last evaluated 2025-02-22.

Conditions:
Mitochondrial hypertrophic cardiomyopathy with lactic acidosis due to MTO1 deficiency. Also called: CARDIOMYOPATHY, INFANTILE HYPERTROPHIC MITOCHONDRIAL, AND LACTIC ACIDOSIS; Combined oxidative phosphorylation deficiency 10. Identifiers: Orphanet 314637, MedGen C4749921, MONDO:0013865, OMIM 614702.

Submissions (2):

Mayo Clinic Laboratories, Mayo Clinic
Classification: Uncertain significance. Last evaluated: 2025-02-22. Review status: criteria provided, single submitter. Criteria: ACMG Guidelines, 2015. Collection method: clinical testing. Allele origin: germline. Observed: 1 variant allele.
Comment: PP3, PM2_supporting

Labcorp Genetics (formerly Invitae), Labcorp
Classification: Uncertain significance for Mitochondrial hypertrophic cardiomyopathy with lactic acidosis due to MTO1 deficiency. Last evaluated: 2025-01-27. Review status: criteria provided, single submitter. Criteria: Invitae Variant Classification Sherloc (09022015). Collection method: clinical testing. Allele origin: germline.
Comment: This sequence change replaces methionine, which is neutral and non-polar, with threonine, which is neutral and polar, at codon 138 of the MTO1 protein (p.Met138Thr). This variant is not present in population databases (gnomAD no frequency). This variant has not been reported in the literature in individuals affected with MTO1-related conditions. ClinVar contains an entry for this variant (Variation ID: 2106757). Invitae Evidence Modeling of protein sequence and biophysical properties (such as structural, functional, and spatial information, amino acid conservation, physicochemical variation, residue mobility, and thermodynamic stability) has been performed for this missense variant. However, the output from this modeling did not meet the statistical confidence thresholds required to predict the impact of this variant on MTO1 protein function. In summary, the available evidence is currently insufficient to determine the role of this variant in disease. Therefore, it has been classified as a Variant of Uncertain Significance.